The following is an entry in ClinVar:

ClinVar aggregate classification (germline): Uncertain significance. Review status: criteria provided, multiple submitters, no conflicts (2 of 4 stars). 2 submissions from 2 submitters: Uncertain significance (2). Last evaluated 2022-10-26.

Conditions:
Inborn genetic diseases. Identifiers: MedGen C0950123, MeSH D030342.
Glycogen storage disease, type VII (GSD7). Also called: GSD VII; TARUI DISEASE; MUSCLE PHOSPHOFRUCTOKINASE DEFICIENCY; PFKM DEFICIENCY. Identifiers: Orphanet 371, MedGen C0017926, MONDO:0009295, OMIM 232800.

Allele frequency attached by ClinVar (database versions not stated): gnomAD exomes below 0.00001.
gnomAD v4.1: 2 of 1,613,228 alleles (0.00012%); highest among the groups gnomAD compares: Non-Finnish European, 0.00017%; no homozygotes.

Submissions (2):

Ambry Genetics
Classification: Uncertain significance for Inborn genetic diseases. Last evaluated: 2022-10-26. Review status: criteria provided, single submitter. Criteria: Ambry Variant Classification Scheme 2023. Collection method: clinical testing. Allele origin: germline.

Labcorp Genetics (formerly Invitae), Labcorp
Classification: Uncertain significance for Glycogen storage disease, type VII. Last evaluated: 2022-08-31. Review status: criteria provided, single submitter. Criteria: Invitae Variant Classification Sherloc (09022015). Collection method: clinical testing. Allele origin: germline.
Comment: This sequence change replaces glutamic acid, which is acidic and polar, with aspartic acid, which is acidic and polar, at codon 71 of the PFKM protein (p.Glu71Asp). This variant is not present in population databases (gnomAD no frequency). This variant has not been reported in the literature in individuals affected with PFKM-related conditions. Algorithms developed to predict the effect of missense changes on protein structure and function (SIFT, PolyPhen-2, Align-GVGD) all suggest that this variant is likely to be tolerated. In summary, the available evidence is currently insufficient to determine the role of this variant in disease. Therefore, it has been classified as a Variant of Uncertain Significance.

NM_000289.6(PFKM):c.213G>T (p.Glu71Asp)

Gene: PFKM (phosphofructokinase, muscle; plus strand). Cytogenetic location: 12q13.11.
Variant type: single nucleotide variant.
Coding change: c.213G>T on transcript NM_000289.6 (MANE Select); coding-DNA position 213, G replaced by T.
Protein change: p.Glu71Asp; replaces glutamic acid 71 with aspartic acid.
Molecular consequence: missense variant. On other transcripts: non-coding transcript variant (6).
Genome position (GRCh38, 1-based): chr12:48,131,369, G>T. VCF-style: chr12-48131369-G-T. GRCh37 (hg19) VCF-style: chr12-48525152-G-T.
Other names: c.426G>T, p.Glu142Asp (NM_001166686.2, NM_001354737.1, NM_001354738.1 and 1 more transcripts); c.213G>T, p.Glu71Asp (NM_001166687.2, NM_001166688.2, NM_001354742.2 and 4 more transcripts); c.522G>T, p.Glu174Asp (NM_001354735.1, NM_001354736.1); c.357G>T, p.Glu119Asp (NM_001354740.1); c.237G>T, p.Glu79Asp (NM_001354741.2); c.126G>T, p.Glu42Asp (NM_001354745.2); c.63G>T, p.Glu21Asp (NM_001354747.2, NM_001354748.2); short protein forms E42D, E142D, E71D, E21D, E119D, E174D, E79D.
Identifiers: ClinVar variation 2042381 (VCV002042381.5), dbSNP rs1320903336, ClinGen allele CA384539525.